The following is an entry in ClinVar:

ClinVar aggregate classification (germline): Pathogenic (1 of 4 stars; one submission).

Conditions:
Walker-Warburg congenital muscular dystrophy. Also called: Muscular dystrophy-dystroglycanopathy, type A; Walker-Warburg syndrome. Identifiers: Orphanet 899, MedGen C0265221, MONDO:0000171.
Muscular dystrophy-dystroglycanopathy (congenital with impaired intellectual development), type B, 1. Also called: Muscular dystrophy-dystroglycanopathy (congenital with intellectual disability), type B1; MUSCULAR DYSTROPHY, CONGENITAL, POMT1-RELATED. Identifiers: MedGen C5436962, MONDO:0013159, OMIM 613155.
Autosomal recessive limb-girdle muscular dystrophy type 2K. Also called: MUSCULAR DYSTROPHY-DYSTROGLYCANOPATHY (LIMB-GIRDLE), TYPE C, 1; MUSCULAR DYSTROPHY, LIMB-GIRDLE, TYPE 2K. Identifiers: Orphanet 86812, MedGen C1836373, MONDO:0012248, OMIM 609308.

Submission:

Labcorp Genetics (formerly Invitae), Labcorp
Classification: Pathogenic for Muscular dystrophy-dystroglycanopathy (congenital with impaired intellectual development), type B, 1; Walker-Warburg congenital muscular dystrophy; Autosomal recessive limb-girdle muscular dystrophy type 2K. Last evaluated: 2022-06-30. Review status: criteria provided, single submitter. Criteria: Invitae Variant Classification Sherloc (09022015). Collection method: clinical testing. Allele origin: germline.
Comment: This sequence change creates a premature translational stop signal (p.Ser129Leufs*11) in the POMT1 gene. It is expected to result in an absent or disrupted protein product. Loss-of-function variants in POMT1 are known to be pathogenic (PMID: 12369018, 15637732, 16575835). This variant is not present in population databases (gnomAD no frequency). This premature translational stop signal has been observed in individual(s) with Walker-Warburg syndrome (PMID: 24491487). For these reasons, this variant has been classified as Pathogenic.

Literature cited by the submitters: PubMed 12369018; PubMed 15637732; PubMed 16575835; PubMed 24491487.

NM_001077365.2(POMT1):c.385del (p.Ser129fs)

Gene: POMT1 (protein O-mannosyltransferase 1; plus strand). Cytogenetic location: 9q34.13.
Variant type: Deletion.
Coding change: c.385del on transcript NM_001077365.2 (MANE Select); coding-DNA position 385, one base deleted (T; older notation c.385delT).
Protein change: p.Ser129fs; shifts the reading frame from serine 129.
Molecular consequence: frameshift variant. On other transcripts: non-coding transcript variant (9), intron variant (2).
Genome position (GRCh38, 1-based): chr9:131,507,472, T deleted; the last of 4 consecutive T bases (chr9:131,507,469-131,507,472); deleting any one gives the same sequence. VCF-style (leftmost placement, unchanged base first): chr9-131507468-CT-C. GRCh37 (hg19) VCF-style: chr9-134382855-CT-C.
Other names: c.223del, p.Ser75fs (NM_001077366.2, NM_001353194.2, NM_001353197.2 and 3 more transcripts); c.385del, p.Ser129fs (NM_001136113.2, NM_001353193.2, NM_001374690.1 and 1 more transcripts); c.34del, p.Ser12fs (NM_001136114.2, NM_001353195.2, NM_001353199.2 and 2 more transcripts); c.295del, p.Ser99fs (NM_001353196.2); c.-29-1439del (NM_001374695.1); c.-30+1019del (NM_001353200.2); short protein forms S129fs, S12fs, S75fs, S99fs.
Identifiers: ClinVar variation 2413915 (VCV002413915.5), dbSNP rs1946102978, ClinGen allele CA1881745017.